The following is an entry in ClinVar:

NM_001321075.3(DLG4):c.96+97A>G

Gene: DLG4 (discs large MAGUK scaffold protein 4; minus strand). Cytogenetic location: 17p13.1.
Variant type: single nucleotide variant.
Coding change: c.96+97A>G on transcript NM_001321075.3 (MANE Select); 97 bases into the intron after coding-DNA position 96, A replaced by G.
Molecular consequence: intron variant.
Genome position (GRCh38, 1-based): chr17:7,208,077, T>C on the plus strand (A>G on the coding strand, the complement: DLG4 is on the minus strand). VCF-style: chr17-7208077-T-C. GRCh37 (hg19) VCF-style: chr17-7111396-T-C.
Other names: c.225+97A>G (NM_001365.5, NM_001321074.1); c.96+97A>G (NM_001128827.4).
Identifiers: ClinVar variation 3341834 (VCV003341834.16).

ClinVar aggregate classification (germline): Uncertain significance (1 of 4 stars; one submission).

gnomAD v4.1: 36 of 1,312,466 alleles (0.0027%); highest among the groups gnomAD compares: Non-Finnish European, 0.0034%; no homozygotes.

Submission:

CeGaT Center for Human Genetics Tuebingen
Classification: Uncertain significance. Last evaluated: 2024-08-01. Review status: criteria provided, single submitter. Criteria: CeGaT Center For Human Genetics Tuebingen Variant Classification Criteria Version 2. Collection method: clinical testing. Allele origin: germline. Affected: yes. Observed: 1 variant allele.
Comment: DLG4: PM2, BP4